The following is an entry in ClinVar:

ClinVar aggregate classification (germline): Uncertain significance. Review status: criteria provided, multiple submitters, no conflicts (2 of 4 stars). 2 submissions from 2 submitters: Uncertain significance (2). Last evaluated 2025-11-26.

Conditions:
Inborn genetic diseases. Identifiers: MedGen C0950123, MeSH D030342.

Allele frequency attached by ClinVar (database versions not stated): gnomAD exomes 0.00005; ExAC 0.00010; ESP Exome Variant Server 0.00031; gnomAD 0.00040; TOPMed 0.00047; 1000 Genomes Project 30x 0.00062; 1000 Genomes Project 0.00080.
gnomAD v4.1: 134 of 1,610,664 alleles (0.0083%); highest among the groups gnomAD compares: African/African-American, 0.16%; no homozygotes.

Submissions (2):

Ambry Genetics
Classification: Uncertain significance for Inborn genetic diseases. Last evaluated: 2025-11-26. Review status: criteria provided, single submitter. Criteria: Ambry Variant Classification Scheme 2023. Collection method: clinical testing. Allele origin: germline.

Labcorp Genetics (formerly Invitae), Labcorp
Classification: Uncertain significance. Last evaluated: 2024-07-01. Review status: criteria provided, single submitter. Criteria: Invitae Variant Classification Sherloc (09022015). Collection method: clinical testing. Allele origin: germline.
Comment: This sequence change replaces proline, which is neutral and non-polar, with serine, which is neutral and polar, at codon 875 of the COL17A1 protein (p.Pro875Ser). This variant is present in population databases (rs138798317, gnomAD 0.1%). This variant has not been reported in the literature in individuals affected with COL17A1-related conditions. Advanced modeling of protein sequence and biophysical properties (such as structural, functional, and spatial information, amino acid conservation, physicochemical variation, residue mobility, and thermodynamic stability) performed at Invitae indicates that this missense variant is not expected to disrupt COL17A1 protein function with a negative predictive value of 80%. In summary, the available evidence is currently insufficient to determine the role of this variant in disease. Therefore, it has been classified as a Variant of Uncertain Significance.

NM_000494.4(COL17A1):c.2623C>T (p.Pro875Ser)

Gene: COL17A1 (collagen type XVII alpha 1 chain; minus strand). Cytogenetic location: 10q25.1.
Variant type: single nucleotide variant.
Coding change: c.2623C>T on transcript NM_000494.4 (MANE Select); coding-DNA position 2623, C replaced by T.
Protein change: p.Pro875Ser; replaces proline 875 with serine.
Molecular consequence: missense variant.
Genome position (GRCh38, 1-based): chr10:104,041,327, G>A on the plus strand (C>T on the coding strand, the complement: COL17A1 is on the minus strand). VCF-style: chr10-104041327-G-A. GRCh37 (hg19) VCF-style: chr10-105801085-G-A.
Other names: short protein forms P875S.
Identifiers: ClinVar variation 3147295 (VCV003147295.4), dbSNP rs138798317, ClinGen allele CA5678359.